The following is an entry in ClinVar:

ClinVar aggregate classification (germline): Likely benign. Review status: criteria provided, multiple submitters, no conflicts (2 of 4 stars). 2 submissions from 2 submitters: Likely benign (2). Last evaluated 2025-03-21.

Conditions:
Inborn genetic diseases. Identifiers: MedGen C0950123, MeSH D030342.

Allele frequency attached by ClinVar (database versions not stated): gnomAD 0.00005; ExAC 0.00008; gnomAD exomes 0.00008; ESP Exome Variant Server 0.00023.

Submissions (2):

Ambry Genetics
Classification: Likely benign for Inborn genetic diseases. Last evaluated: 2025-03-21. Review status: criteria provided, single submitter. Criteria: Ambry Variant Classification Scheme 2023. Collection method: clinical testing. Allele origin: germline.

CeGaT Center for Human Genetics Tuebingen
Classification: Likely benign. Last evaluated: 2024-04-01. Review status: criteria provided, single submitter. Criteria: CeGaT Center For Human Genetics Tuebingen Variant Classification Criteria Version 2. Collection method: clinical testing. Allele origin: germline. Affected: yes. Observed: 1 variant allele.
Comment: SETD1A: BS2

NM_014712.3(SETD1A):c.1173A>C (p.Glu391Asp)

Gene: SETD1A (SET domain containing 1A, histone lysine methyltransferase; plus strand). Cytogenetic location: 16p11.2.
Variant type: single nucleotide variant.
Coding change: c.1173A>C on transcript NM_014712.3 (MANE Select); coding-DNA position 1173, A replaced by C.
Protein change: p.Glu391Asp; replaces glutamic acid 391 with aspartic acid.
Molecular consequence: missense variant.
Genome position (GRCh38, 1-based): chr16:30,964,915, A>C. VCF-style: chr16-30964915-A-C. GRCh37 (hg19) VCF-style: chr16-30976236-A-C.
Other names: c.1173A>C (NM_014712.1); short protein forms E391D.
Identifiers: ClinVar variation 3234454 (VCV003234454.20), dbSNP rs139855029, ClinGen allele CA8016618.